The following is an entry in ClinVar:

NM_001375380.1(EBF3):c.244G>A (p.Val82Met)

Gene: EBF3 (EBF transcription factor 3; minus strand). Cytogenetic location: 10q26.3.
Variant type: single nucleotide variant.
Coding change: c.244G>A on transcript NM_001375380.1 (MANE Select); coding-DNA position 244, G replaced by A.
Protein change: p.Val82Met; replaces valine 82 with methionine.
Molecular consequence: missense variant.
Genome position (GRCh38, 1-based): chr10:129,963,414, C>T on the plus strand (G>A on the coding strand, the complement: EBF3 is on the minus strand). VCF-style: chr10-129963414-C-T. GRCh37 (hg19) VCF-style: chr10-131761678-C-T.
Other names: c.244G>A, p.Val82Met (NM_001005463.3, NM_001375379.1, NM_001375389.1 and 3 more transcripts); short protein forms V82M.
Identifiers: ClinVar variation 2631651 (VCV002631651.1), dbSNP rs2493680911, ClinGen allele CA378911201.

ClinVar aggregate classification (germline): Uncertain significance (1 of 4 stars; one submission).

Conditions:
EBF3-related disorder. Identifiers: MedGen CN239924.

Submission:

PreventionGenetics, part of Exact Sciences
Classification: Uncertain significance for EBF3-related condition. Last evaluated: 2023-07-26. Review status: criteria provided, single submitter. Criteria: ACMG Guidelines, 2015. Collection method: clinical testing. Allele origin: germline.
Comment: The EBF3 c.244G>A variant is predicted to result in the amino acid substitution p.Val82Met. To our knowledge, this variant has not been reported in the literature or in a large population database, indicating this variant is rare. At this time, the clinical significance of this variant is uncertain due to the absence of conclusive functional and genetic evidence.